The following is an entry in ClinVar:

NM_001267550.2(TTN):c.7316G>A (p.Arg2439His)

Genes: TTN (titin; minus strand), LOC126806433 (BRD4-independent group 4 enhancer GRCh37_chr2:179638309-179639508; plus strand). Cytogenetic location: 2q31.2.
Variant type: single nucleotide variant.
Coding change: c.7316G>A on transcript NM_001267550.2 (MANE Select); coding-DNA position 7316, G replaced by A.
Protein change: p.Arg2439His; replaces arginine 2439 with histidine.
Molecular consequence: missense variant.
Genome position (GRCh38, 1-based): chr2:178,773,852, C>T on the plus strand (G>A on the coding strand, the complement: TTN is on the minus strand). VCF-style: chr2-178773852-C-T. GRCh37 (hg19) VCF-style: chr2-179638579-C-T.
Other names: p.R2439H:CGT>CAT; c.7316G>A, p.Arg2439His (NM_001256850.1, NM_133378.4, NM_133379.5); c.7178G>A, p.Arg2393His (NM_003319.4, NM_133432.3, NM_133437.4); short protein forms R2439H, R2393H.
Identifiers: ClinVar variation 203152 (VCV000203152.27), dbSNP rs142129359, ClinGen allele CA311464.
Genomic context (GRCh38, chr2:178,773,852, plus strand): 5'-ATGTTGCTTAATAGTGTAAACATAAAATTTTATAATTAGGACTCACTATAGACAGAGACA[C>T]GCCCACTGGTGGAGAGGCCAAGGGCTGGAATGGTGAAAGAGTAATTTCCAGCATCTTCCT-3'
Protein context (NP_001254479.2, residues 2429-2449): IPALGLSTSG[Arg2439His]VSVYSVDVIT

ClinVar aggregate classification (germline): Conflicting classifications of pathogenicity. Review status: criteria provided, conflicting classifications (1 of 4 stars). 6 submissions from 6 submitters: Uncertain significance (2); Likely benign (4). Last evaluated 2026-02-24.

Conditions:
Cardiovascular phenotype. Identifiers: MedGen CN230736.

Allele frequency attached by ClinVar (database versions not stated): gnomAD 0.00015 and 0.00016; TOPMed 0.00016; ESP Exome Variant Server 0.00046.
gnomAD v4.1: 291 of 1,613,906 alleles (0.018%); highest among the groups gnomAD compares: African/African-American, 0.025%; no homozygotes.

Submissions (6):

Women's Health and Genetics/Laboratory Corporation of America, LabCorp
Classification: Uncertain significance. Last evaluated: 2026-02-24. Review status: criteria provided, single submitter. Criteria: LabCorp Variant Classification Summary - May 2015. Collection method: clinical testing. Allele origin: germline.
Comment: Variant summary: TTN c.7316G>A (p.Arg2439His) results in a non-conservative amino acid change in the encoded protein sequence. Algorithms developed to predict the effect of missense changes on protein structure and function are either unavailable or do not agree on the potential impact of this missense change. The variant allele was found at a frequency of 9.2e-05 in 250304 control chromosomes. This frequency is not significantly higher than estimated for disease-causing variants in TTN, allowing no conclusion about variant significance. c.7316G>A has been reported in individuals affected with cardiomyopathy without evidence of causality (e.g. Burstein_2021, Franaszczyk_2017). These report(s) do not provide unequivocal conclusions about association of the variant with Dilated Cardiomyopathy. To our knowledge, no experimental evidence demonstrating an impact on protein function has been reported. The following publications have been ascertained in the context of this evaluation (PMID: 28045975, 32746448). ClinVar contains an entry for this variant (Variation ID: 203152). Based on the evidence outlined above, the variant was classified as uncertain significance.

Revvity Omics, Revvity
Classification: Uncertain significance. Last evaluated: 2024-11-06. Review status: criteria provided, single submitter. Criteria: ACMG Guidelines, 2015. Collection method: clinical testing. Allele origin: germline.

Blueprint Genetics
Classification: Likely benign. Last evaluated: 2024-05-08. Review status: criteria provided, single submitter. Criteria: ACMG Guidelines, 2015. Collection method: clinical testing. Allele origin: germline.

GeneDx
Classification: Likely benign. Last evaluated: 2021-03-23. Review status: criteria provided, single submitter. Criteria: GeneDx Variant Classification Process June 2021. Collection method: clinical testing. Allele origin: germline. Affected: yes.

Ambry Genetics
Classification: Likely benign for Cardiovascular phenotype. Last evaluated: 2020-09-14. Review status: criteria provided, single submitter. Criteria: Ambry Variant Classification Scheme 2023. Collection method: clinical testing. Allele origin: germline.

Laboratory for Molecular Medicine, Mass General Brigham Personalized Medicine
Classification: Likely benign. Last evaluated: 2015-08-24. Review status: criteria provided, single submitter. Criteria: LMM Criteria. Collection method: clinical testing. Allele origin: germline. Observed: 1 variant allele.
Comment: p.Arg2439His in exon 31 of TTN: This variant is not expected to have clinical si gnificance due to a lack of conservation across species, including mammals. Of n ote, 5 mammals (Chinese hamster, golden hamster, naked mole-rat, cape golden mol e and dolphin) have a histidine (His) at this position despite high nearby amino acid conservation. In addition, computational prediction tools do not suggest a high likelihood of impact to the protein. It has been identified in 2/10172 Af rican and 9/65986 European chromosomes by the Exome Aggregation Consortium (ExAC; dbSNP rs142129359).

Literature cited by the submitters: PubMed 28045975 (cited by Women's Health and Genetics/Laboratory Corporation of America, LabCorp); PubMed 32746448 (cited by Women's Health and Genetics/Laboratory Corporation of America, LabCorp).